The following is an entry in ClinVar:

ClinVar aggregate classification (somatic clinical impact): Tier II - Potential (1 of 4 stars; one submission).

Conditions:
Medulloblastoma non-WNT/non-SHH group 3. Identifiers: MedGen C4330665, MONDO:0956966.

Submission:

Institute for Genomic Medicine (IGM) Clinical Laboratory, Nationwide Children's Hospital
Classification: Tier II - Potential for Medulloblastoma non-WNT/non-SHH group 3. Assertion type: diagnostic. Clinical significance: supports diagnosis. Last evaluated: 2024-10-25. Review status: criteria provided, single submitter. Criteria: AMP/ASCO/CAP Guidelines, 2017. Collection method: clinical testing. Allele origin: somatic. Affected: yes.
Comment: Variant has Tier II (potential) clinical significance as a diagnostic inclusion criterion in medulloblastoma non-WNT/non-SHH group 3, based on the following evidence: 1) Assists in diagnosis alone or along with other biomarkers based on small studies or few case reports (Evidence Level D; PMIDs: 26760213, 29489754, 32025007).

Literature cited by the submitters: PubMed 26760213; PubMed 29489754; PubMed 32025007.

NM_003079.5(SMARCE1):c.314G>T (p.Arg105Leu)

Gene: SMARCE1 (SWI/SNF related BAF chromatin remodeling complex subunit E1; minus strand). Cytogenetic location: 17q21.2.
Variant type: single nucleotide variant.
Coding change: c.314G>T on transcript NM_003079.5 (MANE Select); coding-DNA position 314, G replaced by T.
Protein change: p.Arg105Leu; replaces arginine 105 with leucine.
Molecular consequence: missense variant.
Genome position (GRCh38, 1-based): chr17:40,636,450, C>A on the plus strand (G>T on the coding strand, the complement: SMARCE1 is on the minus strand). VCF-style: chr17-40636450-C-A. GRCh37 (hg19) VCF-style: chr17-38792702-C-A.
Other names: short protein forms R105L.
Identifiers: ClinVar variation 4530294 (VCV004530294.1).